The following is an entry in ClinVar:

NM_000321.3(RB1):c.2139dup (p.Val714fs)

Gene: RB1 (RB transcriptional corepressor 1; plus strand). Cytogenetic location: 13q14.2.
Variant type: Duplication.
Coding change: c.2139dup on transcript NM_000321.3 (MANE Select); coding-DNA position 2139, one base duplicated (A; older notation c.2139dupA).
Protein change: p.Val714fs; shifts the reading frame from valine 714.
Molecular consequence: frameshift variant.
Genome position (GRCh38, 1-based): chr13:48,463,763, A duplicated; the last of 3 consecutive A bases (chr13:48,463,761-48,463,763); duplicating any one gives the same sequence. VCF-style (leftmost placement, unchanged base first): chr13-48463760-C-CA. GRCh37 (hg19) VCF-style: chr13-49037896-C-CA.
Other names: c.2139dup, p.Val714fs (NM_001407165.1); short protein forms V714fs.
Identifiers: ClinVar variation 4759394 (VCV004759394.1).

ClinVar aggregate classification (germline): Pathogenic (1 of 4 stars; one submission).

Conditions:
Hereditary retinoblastoma. Identifiers: Orphanet 357027, MedGen C0751483, MONDO:0018160.

Submission:

Ramesar Group, Division of Human Genetics, Institute of Infectious Diseases and Molecular Medicine, UCT/MRC Genomic and Precision Medicine Research Unit, University of Cape Town
Classification: Pathogenic for Hereditary retinoblastoma. Last evaluated: 2025-09-17. Review status: criteria provided, single submitter. Criteria: ACMG Guidelines, 2015. Collection method: research. Allele origin: germline. Affected: yes. Observed: 1 variant allele.
Comment: PVS1: Null variant (frameshift) in a gene (RB1) where LOF is a known mechanism of disease PM2: Absent from gnomAD and ExAC PP4: Patient presents with bilateral retinoblastoma Not in ClinVar; variant of uncertain signifigance in the LOVD